The following is an entry in ClinVar:

ClinVar aggregate classification (germline): Uncertain significance. Review status: criteria provided, multiple submitters, no conflicts (2 of 4 stars). 3 submissions from 3 submitters: Uncertain significance (3). Last evaluated 2024-02-01.

Conditions:
Hereditary cancer-predisposing syndrome. Also called: Neoplastic Syndromes, Hereditary; Tumor predisposition; Hereditary Cancer Syndrome; Hereditary neoplastic syndrome. Identifiers: Orphanet 140162, MedGen C0027672, MeSH D009386, MONDO:0015356.
Nijmegen breakage syndrome-like disorder (NBSLD). Also called: MICROCEPHALY AND SPONTANEOUS CHROMOSOME INSTABILITY WITHOUT IMMUNODEFICIENCY; NBS-LIKE DISORDER; RAD50 DEFICIENCY. Identifiers: Orphanet 240760, MedGen C2751318, MONDO:0013118, OMIM 613078.

Allele frequency attached by ClinVar (database versions not stated): gnomAD exomes below 0.00001.
gnomAD v4.1: 1 of 1,614,126 alleles (0.000062%); highest among the groups gnomAD compares: Non-Finnish European, 0.000085%; no homozygotes.

Submissions (3):

Fulgent Genetics
Classification: Uncertain significance for Nijmegen breakage syndrome-like disorder. Last evaluated: 2024-02-01. Review status: criteria provided, single submitter. Criteria: ACMG Guidelines, 2015. Collection method: clinical testing. Allele origin: germline.

Ambry Genetics
Classification: Uncertain significance for Hereditary cancer-predisposing syndrome. Last evaluated: 2023-11-21. Review status: criteria provided, single submitter. Criteria: Ambry Variant Classification Scheme 2023. Collection method: clinical testing. Allele origin: germline.
Comment: The p.I17T variant (also known as c.50T>C), located in coding exon 1 of the RAD50 gene, results from a T to C substitution at nucleotide position 50. The isoleucine at codon 17 is replaced by threonine, an amino acid with similar properties. This amino acid position is well conserved in available vertebrate species. In addition, this alteration is predicted to be tolerated by in silico analysis. Since supporting evidence is limited at this time, the clinical significance of this alteration remains unclear.

Labcorp Genetics (formerly Invitae), Labcorp
Classification: Uncertain significance for Hereditary cancer-predisposing syndrome. Last evaluated: 2022-09-22. Review status: criteria provided, single submitter. Criteria: Invitae Variant Classification Sherloc (09022015). Collection method: clinical testing. Allele origin: germline.
Comment: This sequence change replaces isoleucine, which is neutral and non-polar, with threonine, which is neutral and polar, at codon 17 of the RAD50 protein (p.Ile17Thr). This variant is not present in population databases (gnomAD no frequency). This variant has not been reported in the literature in individuals affected with RAD50-related conditions. ClinVar contains an entry for this variant (Variation ID: 457477). Advanced modeling of protein sequence and biophysical properties (such as structural, functional, and spatial information, amino acid conservation, physicochemical variation, residue mobility, and thermodynamic stability) performed at Invitae indicates that this missense variant is not expected to disrupt RAD50 protein function. In summary, the available evidence is currently insufficient to determine the role of this variant in disease. Therefore, it has been classified as a Variant of Uncertain Significance.

NM_005732.4(RAD50):c.50T>C (p.Ile17Thr)

Gene: RAD50 (RAD50 double strand break repair protein; plus strand). Cytogenetic location: 5q31.1.
Variant type: single nucleotide variant.
Coding change: c.50T>C on transcript NM_005732.4 (MANE Select); coding-DNA position 50, T replaced by C.
Protein change: p.Ile17Thr; replaces isoleucine 17 with threonine.
Molecular consequence: missense variant.
Genome position (GRCh38, 1-based): chr5:132,557,374, T>C. VCF-style: chr5-132557374-T-C. GRCh37 (hg19) VCF-style: chr5-131893066-T-C.
Other names: short protein forms I17T.
Identifiers: ClinVar variation 457477 (VCV000457477.13), dbSNP rs942335090, ClinGen allele CA360951050.